The following is an entry in ClinVar:

NM_001277115.2(DNAH11):c.8797+1G>A

Gene: DNAH11 (dynein axonemal heavy chain 11; plus strand). Cytogenetic location: 7p15.3.
Variant type: single nucleotide variant.
Coding change: c.8797+1G>A on transcript NM_001277115.2 (MANE Select); the canonical splice donor site of the intron after coding-DNA position 8797, G replaced by A.
Molecular consequence: splice donor variant.
Genome position (GRCh38, 1-based): chr7:21,749,802, G>A. VCF-style: chr7-21749802-G-A. GRCh37 (hg19) VCF-style: chr7-21789420-G-A.
Identifiers: ClinVar variation 4771409 (VCV004771409.1).
Genomic context (GRCh38, chr7:21,749,802, plus strand): 5'-CAGATGCCCAGGTTCTAGATGAGAGCTTCCTCGTGCTGATTAATGACTTGCTGGCATCAG[G>A]TGATTAAACCAACACATTTCTTGAAAGATCTTCCCCAATGACAAATTATCTGTAGTTTCA-3'

ClinVar aggregate classification (germline): Likely pathogenic (1 of 4 stars; one submission).

Conditions:
Primary ciliary dyskinesia. Also called: Ciliary dyskinesia. Identifiers: Orphanet 244, MedGen C0008780, MONDO:0016575, HP:0012265.

gnomAD v4.1: 2 of 1,613,814 alleles (0.00012%); highest among the groups gnomAD compares: Admixed American, 0.0017%; no homozygotes.

Submission:

Labcorp Genetics (formerly Invitae), Labcorp
Classification: Likely pathogenic for Primary ciliary dyskinesia. Last evaluated: 2025-12-26. Review status: criteria provided, single submitter. Criteria: Invitae Variant Classification Sherloc (09022015). Collection method: clinical testing. Allele origin: germline.
Comment: This sequence change affects a donor splice site in intron 53 of the DNAH11 gene. It is expected to disrupt RNA splicing. Variants that disrupt the donor or acceptor splice site typically lead to a loss of protein function (PMID: 16199547), and loss-of-function variants in DNAH11 are known to be pathogenic (PMID: 18022865, 20513915, 22184204). This variant is present in population databases (no rsID available, gnomAD 0.003%). Disruption of this splice site has been observed in individual(s) with clinical features of primary ciliary dyskinesia (internal data). Algorithms developed to predict the effect of sequence changes on RNA splicing suggest that this variant may disrupt the consensus splice site. In summary, the currently available evidence indicates that the variant is pathogenic, but additional data are needed to prove that conclusively. Therefore, this variant has been classified as Likely Pathogenic.

Literature cited by the submitters: PubMed 16199547; PubMed 18022865; PubMed 20513915; PubMed 22184204.